The following is an entry in ClinVar:

NM_001130823.3(DNMT1):c.2788C>T (p.Leu930Phe)

Gene: DNMT1 (DNA methyltransferase 1; minus strand). Cytogenetic location: 19p13.2.
Variant type: single nucleotide variant.
Coding change: c.2788C>T on transcript NM_001130823.3 (MANE Select); coding-DNA position 2788, C replaced by T.
Protein change: p.Leu930Phe; replaces leucine 930 with phenylalanine.
Molecular consequence: missense variant.
Genome position (GRCh38, 1-based): chr19:10,146,457, G>A on the plus strand (C>T on the coding strand, the complement: DNMT1 is on the minus strand). VCF-style: chr19-10146457-G-A. GRCh37 (hg19) VCF-style: chr19-10257133-G-A.
Other names: c.2740C>T, p.Leu914Phe (NM_001318730.2, NM_001379.4); c.2425C>T, p.Leu809Phe (NM_001318731.2); c.2740C>T (NM_001379.2); short protein forms L914F, L809F, L930F.
Identifiers: ClinVar variation 1466174 (VCV001466174.9), dbSNP rs2145283472, ClinGen allele CA403976304.

ClinVar aggregate classification (germline): Conflicting classifications of pathogenicity. Review status: criteria provided, conflicting classifications (1 of 4 stars). 2 submissions from 2 submitters: Uncertain significance (1); Likely benign (1). Last evaluated 2025-01-06.

Conditions:
Inborn genetic diseases. Identifiers: MedGen C0950123, MeSH D030342.
Hereditary sensory neuropathy-deafness-dementia syndrome. Also called: NEUROPATHY, HEREDITARY SENSORY, WITH HEARING LOSS AND DEMENTIA; Hereditary Sensory and Autonomic Neuropathy Type 1E (HSAN1E); HSN IE; Hereditary sensory neuropathy type IE. Identifiers: Orphanet 456318, MedGen C3279885, MONDO:0013584, OMIM 614116.

Allele frequency attached by ClinVar (database versions not stated): gnomAD exomes 0.00001.
gnomAD v4.1: 8 of 1,614,158 alleles (0.0005%); highest among the groups gnomAD compares: Non-Finnish European, 0.00059%; no homozygotes.

Submissions (2):

Labcorp Genetics (formerly Invitae), Labcorp
Classification: Uncertain significance for Hereditary sensory neuropathy-deafness-dementia syndrome. Last evaluated: 2025-01-06. Review status: criteria provided, single submitter. Criteria: Invitae Variant Classification Sherloc (09022015). Collection method: clinical testing. Allele origin: germline.
Comment: This sequence change replaces leucine, which is neutral and non-polar, with phenylalanine, which is neutral and non-polar, at codon 930 of the DNMT1 protein (p.Leu930Phe). This variant is not present in population databases (gnomAD no frequency). This variant has not been reported in the literature in individuals affected with DNMT1-related conditions. ClinVar contains an entry for this variant (Variation ID: 1466174). Invitae Evidence Modeling of protein sequence and biophysical properties (such as structural, functional, and spatial information, amino acid conservation, physicochemical variation, residue mobility, and thermodynamic stability) indicates that this missense variant is not expected to disrupt DNMT1 protein function with a negative predictive value of 80%. In summary, the available evidence is currently insufficient to determine the role of this variant in disease. Therefore, it has been classified as a Variant of Uncertain Significance.

Ambry Genetics
Classification: Likely benign for Inborn genetic diseases. Last evaluated: 2023-12-27. Review status: criteria provided, single submitter. Criteria: Ambry Variant Classification Scheme 2023. Collection method: clinical testing. Allele origin: germline.